The following is an entry in ClinVar:

NM_024642.5(GALNT12):c.757G>A (p.Val253Met)

Gene: GALNT12 (polypeptide N-acetylgalactosaminyltransferase 12; plus strand). Cytogenetic location: 9q22.33.
Variant type: single nucleotide variant.
Coding change: c.757G>A on transcript NM_024642.5 (MANE Select); coding-DNA position 757, G replaced by A.
Protein change: p.Val253Met; replaces valine 253 with methionine.
Molecular consequence: missense variant.
Genome position (GRCh38, 1-based): chr9:98,831,797, G>A. VCF-style: chr9-98831797-G-A. GRCh37 (hg19) VCF-style: chr9-101594079-G-A.
Other names: short protein forms V253M.
Identifiers: ClinVar variation 827133 (VCV000827133.7), dbSNP rs1304031845, ClinGen allele CA374217943.

ClinVar aggregate classification (germline): Uncertain significance. Review status: criteria provided, multiple submitters, no conflicts (2 of 4 stars). 2 submissions from 2 submitters: Uncertain significance (2). Last evaluated 2024-12-30.

Allele frequency attached by ClinVar (database versions not stated): gnomAD exomes below 0.00001; gnomAD 0.00001; TOPMed 0.00001.
gnomAD v4.1: 4 of 1,614,084 alleles (0.00025%); highest among the groups gnomAD compares: African/African-American, 0.0027%; no homozygotes.

Submissions (2):

Ambry Genetics
Classification: Uncertain significance. Last evaluated: 2024-12-30. Review status: criteria provided, single submitter. Criteria: Ambry Variant Classification Scheme 2023. Collection method: clinical testing. Allele origin: germline.
Comment: The p.V253M variant (also known as c.757G>A), located in coding exon 4 of the GALNT12 gene, results from a G to A substitution at nucleotide position 757. The valine at codon 253 is replaced by methionine, an amino acid with highly similar properties. This amino acid position is highly conserved in available vertebrate species. In addition, this alteration is predicted to be deleterious by in silico analysis. The evidence for this gene-disease relationship is limited; therefore, the clinical significance of this alteration is unclear.

Quest Diagnostics Nichols Institute San Juan Capistrano
Classification: Uncertain significance. Last evaluated: 2024-03-25. Review status: criteria provided, single submitter. Criteria: Quest Diagnostics criteria. Collection method: clinical testing. Allele origin: unknown.
Comment: The GALNT12 c.757G>A (p.Val253Met) variant has not been reported in individuals with GALNT12-related conditions in the published literature. The frequency of this variant in the general population, 0.000013 (2/152194 chromosomes (Genome Aggregation Database)), is uninformative in the assessment of its pathogenicity. Analysis of this variant using bioinformatics tools for the prediction of the effect of amino acid changes on protein structure and function yielded conflicting predictions that this variant is benign or damaging. Based on the available information, we are unable to determine the clinical significance of this variant.